The following is an entry in ClinVar:

NM_001142864.4(PIEZO1):c.1994A>G (p.Glu665Gly)

Genes: HSALR1 (HSP90AB1 associated lncRNA 1; plus strand), PIEZO1 (piezo type mechanosensitive ion channel component 1 (Er blood group); minus strand). Cytogenetic location: 16q24.3.
Variant type: single nucleotide variant.
Coding change: c.1994A>G on transcript NM_001142864.4 (MANE Select); coding-DNA position 1994, A replaced by G.
Protein change: p.Glu665Gly; replaces glutamic acid 665 with glycine.
Molecular consequence: missense variant.
Genome position (GRCh38, 1-based): chr16:88,734,653, T>C on the plus strand (A>G on the coding strand, the complement: PIEZO1 is on the minus strand). VCF-style: chr16-88734653-T-C. GRCh37 (hg19) VCF-style: chr16-88801061-T-C.
Other names: c.1994A>G (NM_001142864.3); short protein forms E665G.
Identifiers: ClinVar variation 1306206 (VCV001306206.5), dbSNP rs547592988, ClinGen allele CA286424460.

ClinVar aggregate classification (germline): Uncertain significance. Review status: criteria provided, multiple submitters, no conflicts (2 of 4 stars). 3 submissions from 3 submitters: Uncertain significance (2). 1 of the submissions does not count toward it. Last evaluated 2025-04-01.

Conditions:
Inborn genetic diseases. Identifiers: MedGen C0950123, MeSH D030342.
PIEZO1-related disorder. Also called: PIEZO1-related condition; PIEZO1-Related Disorders.

Allele frequency attached by ClinVar (database versions not stated): gnomAD exomes 0.00001 and 0.00003; 1000 Genomes Project 30x 0.00047; gnomAD 0.00012 and 0.00013; 1000 Genomes Project 0.00060; TOPMed 0.00010.
gnomAD v4.1: 33 of 1,550,174 alleles (0.0021%); highest among the groups gnomAD compares: African/African-American, 0.038%; no homozygotes.

Submissions (3):

Ambry Genetics
Classification: Uncertain significance for Inborn genetic diseases. Last evaluated: 2025-04-01. Review status: criteria provided, single submitter. Criteria: Ambry Variant Classification Scheme 2023. Collection method: clinical testing. Allele origin: germline.

GeneDx
Classification: Uncertain significance. Last evaluated: 2019-05-29. Review status: criteria provided, single submitter. Criteria: GeneDx Variant Classification Process June 2021. Collection method: clinical testing. Allele origin: germline. Affected: yes.
Comment: Has not been previously published as pathogenic or benign to our knowledge; In silico analysis, which includes protein predictors and evolutionary conservation, supports a deleterious effect

PreventionGenetics, part of Exact Sciences
Classification: Uncertain significance for PIEZO1-related condition. Last evaluated: 2024-02-02. Review status: no assertion criteria provided. Collection method: clinical testing. Allele origin: germline. Not counted in ClinVar's aggregate classification.
Comment: The PIEZO1 c.1994A>G variant is predicted to result in the amino acid substitution p.Glu665Gly. To our knowledge, this variant has not been reported in the literature. This variant is reported in 0.042% of alleles in individuals of African descent in gnomAD. At this time, the clinical significance of this variant is uncertain due to the absence of conclusive functional and genetic evidence.